The following is an entry in ClinVar:

ClinVar aggregate classification (germline): Likely benign (0 of 4 stars; one submission).

Conditions:
CORIN-related disorder. Also called: CORIN-related condition.

Submission:

PreventionGenetics, part of Exact Sciences
Classification: Likely benign for CORIN-related condition. Last evaluated: 2020-05-15. Review status: no assertion criteria provided. Collection method: clinical testing. Allele origin: germline.
Comment: This variant is classified as likely benign based on ACMG/AMP sequence variant interpretation guidelines (Richards et al. 2015 PMID: 25741868, with internal and published modifications).

NM_006587.4(CORIN):c.618-4_618-3dup

Gene: CORIN (corin, serine peptidase; minus strand). Cytogenetic location: 4p12.
Variant type: Duplication.
Coding change: c.618-4_618-3dup on transcript NM_006587.4 (MANE Select); 4 bases into the intron before coding-DNA position 618 through 3 bases into the intron before coding-DNA position 618, 2 bases duplicated (TT; older notation c.618-4_618-3dupTT).
Molecular consequence: intron variant.
Genome position (GRCh38, 1-based): chr4:47,744,586-47,744,587, AA duplicated on the plus strand (TT on the coding strand, the reverse complement: CORIN is on the minus strand); duplicating any 2 consecutive bases within chr4:47,744,586-47,744,598 gives the same sequence; the c. name uses the placement nearest the transcript's 3' end. VCF-style (leftmost placement, unchanged base first): chr4-47744585-T-TAA. GRCh37 (hg19) VCF-style: chr4-47746602-T-TAA.
Other names: c.417-4_417-3dup (NM_001278585.2); c.618-4_618-3dup (NM_001278586.2).
Identifiers: ClinVar variation 3034102 (VCV003034102.2), dbSNP rs372683178, ClinGen allele CA2909965.
Genomic context (GRCh38, chr4:47,744,585, plus strand): 5'-CTGATTCACAGCCTTCTTTTGCAGCCTCACAGAAGGACCTACAGGGCAGGAGTCCATGAC[T>TAA]AAAAAAAAAAAAAGAGAAAGGTGAAAATTAGTGTCTTTACAGAATAGGTTTTGAAATAAT-3'